The following is an entry in ClinVar:

NM_177438.3(DICER1):c.3562A>T (p.Ser1188Cys)

Gene: DICER1 (dicer 1, ribonuclease III; minus strand). Cytogenetic location: 14q32.13.
Variant type: single nucleotide variant.
Coding change: c.3562A>T on transcript NM_177438.3 (MANE Select); coding-DNA position 3562, A replaced by T.
Protein change: p.Ser1188Cys; replaces serine 1188 with cysteine.
Molecular consequence: missense variant. On other transcripts: non-coding transcript variant (6).
Genome position (GRCh38, 1-based): chr14:95,103,834, T>A on the plus strand (A>T on the coding strand, the complement: DICER1 is on the minus strand). VCF-style: chr14-95103834-T-A. GRCh37 (hg19) VCF-style: chr14-95570171-T-A.
Other names: c.3562A>T, p.Ser1188Cys (NM_001195573.1, NM_001271282.3, NM_001291628.2 and 13 more transcripts); c.3280A>T, p.Ser1094Cys (NM_001395686.1); c.3157A>T, p.Ser1053Cys (NM_001395687.1, NM_001395688.1, NM_001395689.1 and 2 more transcripts); c.2995A>T, p.Ser999Cys (NM_001395691.1); c.1879A>T, p.Ser627Cys (NM_001395697.1); short protein forms S1053C, S1094C, S627C, S1188C, S999C.
Identifiers: ClinVar variation 1732716 (VCV001732716.2), dbSNP rs2542708381, ClinGen allele CA390874917.

ClinVar aggregate classification (germline): Uncertain significance (1 of 4 stars; one submission).

Conditions:
Hereditary cancer-predisposing syndrome. Also called: Neoplastic Syndromes, Hereditary; Tumor predisposition; Hereditary Cancer Syndrome; Hereditary neoplastic syndrome. Identifiers: Orphanet 140162, MedGen C0027672, MeSH D009386, MONDO:0015356.

Submission:

Ambry Genetics
Classification: Uncertain significance for Hereditary cancer-predisposing syndrome. Last evaluated: 2020-10-28. Review status: criteria provided, single submitter. Criteria: Ambry Variant Classification Scheme 2023. Collection method: clinical testing. Allele origin: germline.
Comment: The p.S1188C variant (also known as c.3562A>T), located in coding exon 20 of the DICER1 gene, results from an A to T substitution at nucleotide position 3562. The serine at codon 1188 is replaced by cysteine, an amino acid with dissimilar properties. This amino acid position is not well conserved in available vertebrate species. In addition, this alteration is predicted to be tolerated by in silico analysis. Since supporting evidence is limited at this time, the clinical significance of this alteration remains unclear.